The following is an entry in ClinVar:

ClinVar aggregate classification (germline): Uncertain significance (1 of 4 stars; one submission).

Conditions:
Peroxisome biogenesis disorder, complementation group K (CGK). Identifiers: MedGen C1866257, MONDO:0800365.

Submission:

Labcorp Genetics (formerly Invitae), Labcorp
Classification: Uncertain significance for Peroxisome biogenesis disorder, complementation group K. Last evaluated: 2022-07-29. Review status: criteria provided, single submitter. Criteria: Invitae Variant Classification Sherloc (09022015). Collection method: clinical testing. Allele origin: germline.
Comment: A copy number gain of the genomic region encompassing the full coding sequence of the PEX14 gene has been identified. The boundaries of this event are unknown as they extend beyond the assayed region for this gene and therefore may encompass additional genes. As the precise location of this event is unknown, it may be in tandem or it may be located elsewhere in the genome. This variant has not been reported in the literature in individuals affected with PEX14-related conditions. In summary, the available evidence is currently insufficient to determine the role of this variant in disease. Therefore, it has been classified as a Variant of Uncertain Significance.

NC_000001.10:g.(?_10535024)_(11107264_?)dup

Genes: CASZ1 (castor zinc finger 1; minus strand), CIROZ (ciliated left-right organizer protein containing ZP-N domains; minus strand), MASP2 (MBL associated serine protease 2; minus strand), PEX14 (peroxisomal biogenesis factor 14; plus strand), TARDBP (TAR DNA binding protein; plus strand). Cytogenetic location: 1p36.22.
Variant type: Duplication.
Identifiers: ClinVar variation 2425168 (VCV002425168.3).